The following is an entry in ClinVar:

NM_206933.4(USH2A):c.5314G>A (p.Gly1772Arg)

Genes: USH2A (usherin; minus strand), USH2A-AS2 (USH2A antisense RNA 2; plus strand). Cytogenetic location: 1q41.
Variant type: single nucleotide variant.
Coding change: c.5314G>A on transcript NM_206933.4 (MANE Select); coding-DNA position 5314, G replaced by A.
Protein change: p.Gly1772Arg; replaces glycine 1772 with arginine.
Molecular consequence: missense variant.
Genome position (GRCh38, 1-based): chr1:216,078,347, C>T on the plus strand (G>A on the coding strand, the complement: USH2A is on the minus strand). VCF-style: chr1-216078347-C-T. GRCh37 (hg19) VCF-style: chr1-216251689-C-T.
Other names: short protein forms G1772R.
Identifiers: ClinVar variation 1415744 (VCV001415744.4), dbSNP rs763043150, ClinGen allele CA1395470.

ClinVar aggregate classification (germline): Uncertain significance. Review status: criteria provided, multiple submitters, no conflicts (2 of 4 stars). 2 submissions from 2 submitters: Uncertain significance (2). Last evaluated 2023-02-21.

Allele frequency attached by ClinVar (database versions not stated): gnomAD 0.00001; gnomAD exomes 0.00001 and 0.00002; TOPMed 0.00002; ExAC 0.00004.
gnomAD v4.1: 20 of 1,613,406 alleles (0.0012%); highest among the groups gnomAD compares: Admixed American, 0.0033%; no homozygotes.

Submissions (2):

Blueprint Genetics
Classification: Uncertain significance. Last evaluated: 2023-02-21. Review status: criteria provided, single submitter. Criteria: ACMG Guidelines, 2015. Collection method: clinical testing. Allele origin: germline.

Labcorp Genetics (formerly Invitae), Labcorp
Classification: Uncertain significance. Last evaluated: 2022-02-22. Review status: criteria provided, single submitter. Criteria: Invitae Variant Classification Sherloc (09022015). Collection method: clinical testing. Allele origin: germline.
Comment: This sequence change replaces glycine, which is neutral and non-polar, with arginine, which is basic and polar, at codon 1772 of the USH2A protein (p.Gly1772Arg). This variant is present in population databases (rs763043150, gnomAD 0.005%). This variant has not been reported in the literature in individuals affected with USH2A-related conditions. Algorithms developed to predict the effect of missense changes on protein structure and function output the following: SIFT: "Deleterious"; PolyPhen-2: "Probably Damaging"; Align-GVGD: "Class C15". The arginine amino acid residue is found in multiple mammalian species, which suggests that this missense change does not adversely affect protein function. In summary, the available evidence is currently insufficient to determine the role of this variant in disease. Therefore, it has been classified as a Variant of Uncertain Significance.